The following is an entry in ClinVar:

NM_004370.6(COL12A1):c.5999A>G (p.Tyr2000Cys)

Gene: COL12A1 (collagen type XII alpha 1 chain; minus strand). Cytogenetic location: 6q13.
Variant type: single nucleotide variant.
Coding change: c.5999A>G on transcript NM_004370.6 (MANE Select); coding-DNA position 5999, A replaced by G.
Protein change: p.Tyr2000Cys; replaces tyrosine 2000 with cysteine.
Molecular consequence: missense variant.
Genome position (GRCh38, 1-based): chr6:75,130,920, T>C on the plus strand (A>G on the coding strand, the complement: COL12A1 is on the minus strand). VCF-style: chr6-75130920-T-C. GRCh37 (hg19) VCF-style: chr6-75840636-T-C.
Other names: c.2507A>G, p.Tyr836Cys (NM_080645.3); short protein forms Y2000C, Y836C.
Identifiers: ClinVar variation 1317288 (VCV001317288.6), dbSNP rs1400789071, ClinGen allele CA364732414.

ClinVar aggregate classification (germline): Uncertain significance. Review status: criteria provided, multiple submitters, no conflicts (2 of 4 stars). 2 submissions from 2 submitters: Uncertain significance (2). Last evaluated 2026-01-22.

Conditions:
Bethlem myopathy 2 (BTHLM2). Identifiers: Orphanet 536516, Orphanet 610, MedGen C4225313, MONDO:0034022, OMIM 616471.
Ullrich congenital muscular dystrophy 2 (UCMD2). Identifiers: Orphanet 75840, MedGen C4225314, MONDO:0014654, OMIM 616470.

Allele frequency attached by ClinVar (database versions not stated): gnomAD exomes below 0.00001.
gnomAD v4.1: 1 of 1,614,130 alleles (0.000062%); highest among the groups gnomAD compares: Non-Finnish European, 0.000085%; no homozygotes.

Submissions (2):

GeneDx
Classification: Uncertain significance. Last evaluated: 2026-01-22. Review status: criteria provided, single submitter. Criteria: GeneDx Variant Classification Process June 2021. Collection method: clinical testing. Allele origin: germline. Affected: yes.
Comment: Not observed at significant frequency in large population cohorts (gnomAD); In silico analysis supports that this missense variant has a deleterious effect on protein structure/function; Has not been previously published as pathogenic or benign to our knowledge

Labcorp Genetics (formerly Invitae), Labcorp
Classification: Uncertain significance for Bethlem myopathy 2; Ullrich congenital muscular dystrophy 2. Last evaluated: 2025-12-01. Review status: criteria provided, single submitter. Criteria: Invitae Variant Classification Sherloc (09022015). Collection method: clinical testing. Allele origin: germline.
Comment: This sequence change replaces tyrosine, which is neutral and polar, with cysteine, which is neutral and slightly polar, at codon 2000 of the COL12A1 protein (p.Tyr2000Cys). This variant is present in population databases (no rsID available, gnomAD 0.0009%). This variant has not been reported in the literature in individuals affected with COL12A1-related conditions. ClinVar contains an entry for this variant (Variation ID: 1317288). Invitae Evidence Modeling of protein sequence and biophysical properties (such as structural, functional, and spatial information, amino acid conservation, physicochemical variation, residue mobility, and thermodynamic stability) indicates that this missense variant is expected to disrupt COL12A1 protein function with a positive predictive value of 80%. In summary, the available evidence is currently insufficient to determine the role of this variant in disease. Therefore, it has been classified as a Variant of Uncertain Significance.